The following is an entry in ClinVar:

ClinVar aggregate classification (germline): Uncertain significance (1 of 4 stars; one submission).

Conditions:
Pitt-Hopkins-like syndrome 2 (PTHSL2). Identifiers: Orphanet 221150, Orphanet 600663, MedGen C3280479, MONDO:0013690, OMIM 614325.

Allele frequency attached by ClinVar (database versions not stated): gnomAD exomes below 0.00001; TOPMed below 0.00001; ExAC 0.00001.

Submission:

Labcorp Genetics (formerly Invitae), Labcorp
Classification: Uncertain significance for Pitt-Hopkins-like syndrome 2. Last evaluated: 2026-01-12. Review status: criteria provided, single submitter. Criteria: Invitae Variant Classification Sherloc (09022015). Collection method: clinical testing. Allele origin: germline.
Comment: This sequence change replaces glutamic acid, which is acidic and polar, with lysine, which is basic and polar, at codon 1353 of the NRXN1 protein (p.Glu1353Lys). This variant is not present in population databases (gnomAD no frequency). This variant has not been reported in the literature in individuals affected with NRXN1-related conditions. ClinVar contains an entry for this variant (Variation ID: 1381290). Invitae Evidence Modeling of protein sequence and biophysical properties (such as structural, functional, and spatial information, amino acid conservation, physicochemical variation, residue mobility, and thermodynamic stability) indicates that this missense variant is not expected to disrupt NRXN1 protein function with a negative predictive value of 80%. In summary, the available evidence is currently insufficient to determine the role of this variant in disease. Therefore, it has been classified as a Variant of Uncertain Significance.

NM_001330078.2(NRXN1):c.3937G>A (p.Glu1313Lys)

Gene: NRXN1 (neurexin 1; minus strand). Cytogenetic location: 2p16.3.
Variant type: single nucleotide variant.
Coding change: c.3937G>A on transcript NM_001330078.2 (MANE Select); coding-DNA position 3937, G replaced by A.
Protein change: p.Glu1313Lys; replaces glutamic acid 1313 with lysine.
Molecular consequence: missense variant.
Genome position (GRCh38, 1-based): chr2:50,053,462, C>T on the plus strand (G>A on the coding strand, the complement: NRXN1 is on the minus strand). VCF-style: chr2-50053462-C-T. GRCh37 (hg19) VCF-style: chr2-50280600-C-T.
Other names: c.4057G>A, p.Glu1353Lys (NM_001135659.3); c.3913G>A, p.Glu1305Lys (NM_001330077.2, NM_001330082.2); c.3781G>A, p.Glu1261Lys (NM_001330083.2); c.3871G>A, p.Glu1291Lys (NM_001330084.2); c.3910G>A, p.Glu1304Lys (NM_001330085.2); c.3937G>A, p.Glu1313Lys (NM_001330086.2); c.3736G>A, p.Glu1246Lys (NM_001330087.2, NM_001330096.2); c.3766G>A, p.Glu1256Lys (NM_001330088.2); and 6 more; short protein forms E1256K, E1283K, E1313K, E1246K, E1266K, E1304K, E1309K, E278K.
Identifiers: ClinVar variation 1381290 (VCV001381290.6), dbSNP rs756844822, ClinGen allele CA1654326.